The following is an entry in ClinVar:

ClinVar aggregate classification (germline): Uncertain significance. Review status: criteria provided, multiple submitters, no conflicts (2 of 4 stars). 3 submissions from 3 submitters: Uncertain significance (3). Last evaluated 2024-10-15.

Conditions:
Sitosterolemia 1. Identifiers: MedGen C2749759, MONDO:0020747, OMIM 210250.

Allele frequency attached by ClinVar (database versions not stated): gnomAD 0.00001 and 0.00002; TOPMed 0.00001; gnomAD exomes 0.00003 and 0.00006; ExAC 0.00006; ESP Exome Variant Server 0.00008.
gnomAD v4.1: 42 of 1,612,450 alleles (0.0026%); highest among the groups gnomAD compares: South Asian, 0.038%; no homozygotes.

Submissions (3):

Labcorp Genetics (formerly Invitae), Labcorp
Classification: Uncertain significance. Last evaluated: 2024-10-15. Review status: criteria provided, single submitter. Criteria: Invitae Variant Classification Sherloc (09022015). Collection method: clinical testing. Allele origin: germline.
Comment: This sequence change replaces asparagine, which is neutral and polar, with aspartic acid, which is acidic and polar, at codon 207 of the ABCG8 protein (p.Asn207Asp). This variant is present in population databases (rs141605800, gnomAD 0.04%). This missense change has been observed in individual(s) with familial hypercholesterolemia (PMID: 32088153). ClinVar contains an entry for this variant (Variation ID: 595377). Invitae Evidence Modeling of protein sequence and biophysical properties (such as structural, functional, and spatial information, amino acid conservation, physicochemical variation, residue mobility, and thermodynamic stability) indicates that this missense variant is not expected to disrupt ABCG8 protein function with a negative predictive value of 80%. In summary, the available evidence is currently insufficient to determine the role of this variant in disease. Therefore, it has been classified as a Variant of Uncertain Significance.

Illumina Laboratory Services, Illumina
Classification: Uncertain significance for Sitosterolemia 1. Last evaluated: 2018-01-12. Review status: criteria provided, single submitter. Criteria: ICSL Variant Classification Criteria 13 December 2019. Collection method: clinical testing. Allele origin: germline.

Eurofins Ntd Llc (ga)
Classification: Uncertain significance. Last evaluated: 2017-12-15. Review status: criteria provided, single submitter. Criteria: EGL Classification Definitions 2015. Collection method: clinical testing. Allele origin: germline. Observed: 1 variant allele, 1 heterozygote.

Literature cited by the submitters: PubMed 32088153 (cited by Labcorp Genetics (formerly Invitae), Labcorp).

NM_022437.3(ABCG8):c.619A>G (p.Asn207Asp)

Gene: ABCG8 (ATP binding cassette subfamily G member 8; plus strand). Cytogenetic location: 2p21.
Variant type: single nucleotide variant.
Coding change: c.619A>G on transcript NM_022437.3 (MANE Select); coding-DNA position 619, A replaced by G.
Protein change: p.Asn207Asp; replaces asparagine 207 with aspartic acid.
Molecular consequence: missense variant.
Genome position (GRCh38, 1-based): chr2:43,852,411, A>G. VCF-style: chr2-43852411-A-G. GRCh37 (hg19) VCF-style: chr2-44079550-A-G.
Other names: c.619A>G, p.Asn207Asp (NM_001357321.2); short protein forms N207D.
Identifiers: ClinVar variation 595377 (VCV000595377.15), dbSNP rs141605800, ClinGen allele CA1637092.